The following is an entry in ClinVar:

NM_001165963.4(SCN1A):c.5795del (p.Lys1932fs)

Genes: SCN1A (sodium voltage-gated channel alpha subunit 1; minus strand), LOC102724058 (uncharacterized LOC102724058; plus strand). Cytogenetic location: 2q24.3.
Variant type: Deletion.
Coding change: c.5795del on transcript NM_001165963.4 (MANE Select); coding-DNA position 5795, one base deleted (A; older notation c.5795delA).
Protein change: p.Lys1932fs; shifts the reading frame from lysine 1932.
Molecular consequence: frameshift variant. On other transcripts: non-coding transcript variant (1).
Genome position (GRCh38, 1-based): chr2:165,991,480, T deleted on the plus strand (A on the coding strand, the reverse complement: SCN1A is on the minus strand); the first of 3 consecutive T bases (chr2:165,991,480-165,991,482); deleting any one gives the same sequence. VCF-style (leftmost placement, unchanged base first): chr2-165991479-CT-C. GRCh37 (hg19) VCF-style: chr2-166847989-CT-C.
Other names: c.5711del, p.Lys1904fs (NM_001165964.3, NM_001353957.2, NM_001353958.2); c.5795del, p.Lys1932fs (NM_001202435.3, NM_001353948.2); c.5762del, p.Lys1921fs (NM_001353949.2, NM_001353950.2, NM_001353951.2 and 2 more transcripts); c.5759del, p.Lys1920fs (NM_001353954.2, NM_001353955.2); c.5708del, p.Lys1903fs (NM_001353960.2); c.3353del, p.Lys1118fs (NM_001353961.2); short protein forms K1932fs, K1920fs, K1118fs, K1903fs, K1904fs, K1921fs.
Identifiers: ClinVar variation 2032780 (VCV002032780.4), dbSNP rs2468326108, ClinGen allele CA2580064295.
Genomic context (GRCh38, chr2:165,991,479, plus strand): 5'-ATTAGCCCCACCTTTGATTTTGTTTTTATTGTACGTAAAGGAAGCTTGTTTTACAGTTCG[CT>C]TTAAAAGGTGGCGTCTGTAAGCACGCTGAATAATGACAGCAGATACTTCCTCTTGTTTTC-3'

ClinVar aggregate classification (germline): Pathogenic (1 of 4 stars; one submission).

Conditions:
Early-infantile DEE. Also called: Ohtahara syndrome; Early infantile epileptic encephalopathy with suppression bursts; Early infantile epileptic encephalopathy. Identifiers: Orphanet 1934, MedGen C0393706, MONDO:0800491.

Submission:

Labcorp Genetics (formerly Invitae), Labcorp
Classification: Pathogenic for Early-infantile DEE. Last evaluated: 2025-01-27. Review status: criteria provided, single submitter. Criteria: Invitae Variant Classification Sherloc (09022015). Collection method: clinical testing. Allele origin: germline.
Comment: This sequence change creates a premature translational stop signal (p.Lys1932Serfs*4) in the SCN1A gene. While this is not anticipated to result in nonsense mediated decay, it is expected to disrupt the last 78 amino acid(s) of the SCN1A protein. This variant is not present in population databases (gnomAD no frequency). This variant has not been reported in the literature in individuals affected with SCN1A-related conditions. ClinVar contains an entry for this variant (Variation ID: 2032780). This variant disrupts a region of the SCN1A protein in which other variant(s) (p.Arg1988Trp) have been determined to be pathogenic (PMID: 23708187; internal data). This suggests that this is a clinically significant region of the protein, and that variants that disrupt it are likely to be disease-causing. For these reasons, this variant has been classified as Pathogenic.

Literature cited by the submitters: PubMed 23708187.